The following is an entry in ClinVar:

ClinVar aggregate classification (germline): Uncertain significance (1 of 4 stars; one submission).

Conditions:
Cardiomyopathy (CMYO). Also called: Cardiomyopathies. Identifiers: Orphanet 167848, MedGen C0878544, MONDO:0004994, HP:0001638. Inheritance: Various modes of inheritance.

Submission:

Color Diagnostics, LLC DBA Color Health
Classification: Uncertain significance for Cardiomyopathy. Last evaluated: 2023-12-05. Review status: criteria provided, single submitter. Criteria: ACMG Guidelines, 2015. Collection method: clinical testing. Allele origin: germline.
Comment: This missense variant replaces glycine with arginine at codon 3346 of the RYR2 protein. Computational prediction tools and conservation analyses suggest that this variant may have deleterious impact on the protein function. Computational splicing tools suggest that this variant may not impact RNA splicing. To our knowledge, functional assays have not been performed for this variant nor has this variant been reported in individuals affected with cardiovascular disorders in the literature. This variant has not been identified in the general population by the Genome Aggregation Database (gnomAD). Available evidence is insufficient to determine the role of this variant in disease conclusively. Therefore, this variant is classified as a Variant of Uncertain Significance.

NM_001035.3(RYR2):c.10036G>C (p.Gly3346Arg)

Gene: RYR2 (ryanodine receptor 2; plus strand). Cytogenetic location: 1q43.
Variant type: single nucleotide variant.
Coding change: c.10036G>C on transcript NM_001035.3 (MANE Select); coding-DNA position 10036, G replaced by C.
Protein change: p.Gly3346Arg; replaces glycine 3346 with arginine.
Molecular consequence: missense variant.
Genome position (GRCh38, 1-based): chr1:237,708,992, G>C. VCF-style: chr1-237708992-G-C. GRCh37 (hg19) VCF-style: chr1-237872292-G-C.
Other names: short protein forms G3346R.
Identifiers: ClinVar variation 923566 (VCV000923566.5), dbSNP rs1488791858, ClinGen allele CA345410771.